The following is an entry in ClinVar:

ClinVar aggregate classification (germline): Uncertain significance. Review status: criteria provided, multiple submitters, no conflicts (2 of 4 stars). 2 submissions from 2 submitters: Uncertain significance (2). Last evaluated 2026-05-19.

Conditions:
Hereditary cancer-predisposing syndrome. Also called: Hereditary Cancer Syndrome; Neoplastic Syndromes, Hereditary; Hereditary neoplastic syndrome; Tumor predisposition. Identifiers: Orphanet 140162, MedGen C0027672, MeSH D009386, MONDO:0015356.
EGFR-related lung cancer (EGFR). Identifiers: MedGen CN130014.

Submissions (2):

Ambry Genetics
Classification: Uncertain significance for Hereditary cancer-predisposing syndrome. Last evaluated: 2026-05-19. Review status: criteria provided, single submitter. Criteria: Ambry Variant Classification Scheme 2023. Collection method: clinical testing. Allele origin: germline.
Comment: The p.D800N variant (also known as c.2398G>A), located in coding exon 20 of the EGFR gene, results from a G to A substitution at nucleotide position 2398. The aspartic acid at codon 800 is replaced by asparagine, an amino acid with highly similar properties. This amino acid position is highly conserved in available vertebrate species. In addition, this alteration is predicted to be tolerated by in silico analysis. Based on the available evidence, the clinical significance of this variant remains unclear.

Labcorp Genetics (formerly Invitae), Labcorp
Classification: Uncertain significance for EGFR-related lung cancer. Last evaluated: 2022-09-04. Review status: criteria provided, single submitter. Criteria: Invitae Variant Classification Sherloc (09022015). Collection method: clinical testing. Allele origin: germline.
Comment: In summary, the available evidence is currently insufficient to determine the role of this variant in disease. Therefore, it has been classified as a Variant of Uncertain Significance. Algorithms developed to predict the effect of missense changes on protein structure and function are either unavailable or do not agree on the potential impact of this missense change (SIFT: "Tolerated"; PolyPhen-2: "Possibly Damaging"; Align-GVGD: "Class C0"). This variant has not been reported in the literature in individuals affected with EGFR-related conditions. This variant is not present in population databases (gnomAD no frequency). This sequence change replaces aspartic acid, which is acidic and polar, with asparagine, which is neutral and polar, at codon 800 of the EGFR protein (p.Asp800Asn).

NM_005228.5(EGFR):c.2398G>A (p.Asp800Asn)

Genes: EGFR (epidermal growth factor receptor; plus strand), EGFR-AS1 (EGFR antisense RNA 1; minus strand). Cytogenetic location: 7p11.2.
Variant type: single nucleotide variant.
Coding change: c.2398G>A on transcript NM_005228.5 (MANE Select); coding-DNA position 2398, G replaced by A.
Protein change: p.Asp800Asn; replaces aspartic acid 800 with asparagine.
Molecular consequence: missense variant. On other transcripts: non-coding transcript variant (1).
Genome position (GRCh38, 1-based): chr7:55,181,407, G>A. VCF-style: chr7-55181407-G-A. GRCh37 (hg19) VCF-style: chr7-55249100-G-A.
Other names: c.2263G>A, p.Asp755Asn (NM_001346897.2, NM_001346899.2); c.2398G>A, p.Asp800Asn (NM_001346898.2); c.2239G>A, p.Asp747Asn (NM_001346900.2); c.1597G>A, p.Asp533Asn (NM_001346941.2); short protein forms D533N, D747N, D755N, D800N.
Identifiers: ClinVar variation 1718814 (VCV001718814.6), dbSNP rs1786868752, ClinGen allele CA367578912.